The following is an entry in ClinVar:

ClinVar aggregate classification (germline): Pathogenic (1 of 4 stars; one submission).

Conditions:
Niemann-Pick disease, type C1. Also called: NEUROVISCERAL STORAGE DISEASE WITH VERTICAL SUPRANUCLEAR OPHTHALMOPLEGIA; NIEMANN-PICK DISEASE WITH CHOLESTEROL ESTERIFICATION BLOCK; NIEMANN-PICK DISEASE WITHOUT SPHINGOMYELINASE DEFICIENCY; NIEMANN-PICK DISEASE, CHRONIC NEURONOPATHIC FORM; NIEMANN-PICK DISEASE, VARIANT TYPE C1. Identifiers: Orphanet 646, MedGen C3179455, MONDO:0009757, OMIM 257220.

Submission:

Labcorp Genetics (formerly Invitae), Labcorp
Classification: Pathogenic for Niemann-Pick disease, type C1. Last evaluated: 2026-01-31. Review status: criteria provided, single submitter. Criteria: Invitae Variant Classification Sherloc (09022015). Collection method: clinical testing. Allele origin: germline.
Comment: This sequence change creates a premature translational stop signal (p.Trp942*) in the NPC1 gene. It is expected to result in an absent or disrupted protein product. Loss-of-function variants in NPC1 are known to be pathogenic (PMID: 9211850). This variant is not present in population databases (gnomAD no frequency). This variant has not been reported in the literature in individuals affected with NPC1-related conditions. For these reasons, this variant has been classified as Pathogenic.

Literature cited by the submitters: PubMed 9211850.

NM_000271.5(NPC1):c.2826del (p.Ser941_Trp942insTer)

Gene: NPC1 (NPC intracellular cholesterol transporter 1; minus strand). Cytogenetic location: 18q11.2.
Variant type: Deletion.
Coding change: c.2826del on transcript NM_000271.5 (MANE Select); coding-DNA position 2826, one base deleted (G; older notation c.2826delG).
Protein change: p.Ser941_Trp942insTer.
Molecular consequence: nonsense.
Genome position (GRCh38, 1-based): chr18:23,539,440, C deleted on the plus strand (G on the coding strand, the reverse complement: NPC1 is on the minus strand); the first of 2 consecutive C bases (chr18:23,539,440-23,539,441); deleting either gives the same sequence. VCF-style (leftmost placement, unchanged base first): chr18-23539439-TC-T. GRCh37 (hg19) VCF-style: chr18-21119403-TC-T.
Identifiers: ClinVar variation 4736504 (VCV004736504.1).